The following is an entry in ClinVar:

NM_006019.4(TCIRG1):c.1487C>G (p.Thr496Arg)

Gene: TCIRG1 (T cell immune regulator 1, ATPase H+ transporting V0 subunit a3; plus strand). Cytogenetic location: 11q13.2.
Variant type: single nucleotide variant.
Coding change: c.1487C>G on transcript NM_006019.4 (MANE Select); coding-DNA position 1487, C replaced by G.
Protein change: p.Thr496Arg; replaces threonine 496 with arginine.
Molecular consequence: missense variant. On other transcripts: intron variant (1).
Genome position (GRCh38, 1-based): chr11:68,047,905, C>G. VCF-style: chr11-68047905-C-G. GRCh37 (hg19) VCF-style: chr11-67815372-C-G.
Other names: c.593C>G, p.Thr198Arg (NM_001351059.2); c.1487C>G, p.Thr496Arg (NM_001440552.1, NM_001440553.1, NM_001440554.1 and 2 more transcripts); c.1445C>G, p.Thr482Arg (NM_001440555.1, NM_001440556.1, NM_001440563.1); c.1274C>G, p.Thr425Arg (NM_001440559.1, NM_001440560.1, NM_001440561.1 and 2 more transcripts); c.1232C>G, p.Thr411Arg (NM_001440564.1); c.1187C>G, p.Thr396Arg (NM_001440565.1); c.1019C>G, p.Thr340Arg (NM_001440568.1); c.527C>G, p.Thr176Arg (NM_001440569.1); and 2 more; short protein forms T176R, T396R, T425R, T280R, T482R, T340R, T411R, T198R.
Identifiers: ClinVar variation 4697045 (VCV004697045.1).

ClinVar aggregate classification (germline): Uncertain significance (1 of 4 stars; one submission).

gnomAD v4.1: 3 of 1,613,704 alleles (0.00019%); highest among the groups gnomAD compares: Non-Finnish European, 0.00025%; no homozygotes.

Submission:

Labcorp Genetics (formerly Invitae), Labcorp
Classification: Uncertain significance. Last evaluated: 2025-03-25. Review status: criteria provided, single submitter. Criteria: Invitae Variant Classification Sherloc (09022015). Collection method: clinical testing. Allele origin: germline.
Comment: This sequence change replaces threonine, which is neutral and polar, with arginine, which is basic and polar, at codon 496 of the TCIRG1 protein (p.Thr496Arg). This variant is present in population databases (rs141474168, gnomAD 0.002%). This variant has not been reported in the literature in individuals affected with TCIRG1-related conditions. Invitae Evidence Modeling of protein sequence and biophysical properties (such as structural, functional, and spatial information, amino acid conservation, physicochemical variation, residue mobility, and thermodynamic stability) indicates that this missense variant is not expected to disrupt TCIRG1 protein function with a negative predictive value of 80%. In summary, the available evidence is currently insufficient to determine the role of this variant in disease. Therefore, it has been classified as a Variant of Uncertain Significance.